The following is an entry in ClinVar:

ClinVar aggregate classification (germline): Pathogenic. Review status: criteria provided, multiple submitters, no conflicts (2 of 4 stars). 2 submissions from 2 submitters: Pathogenic (2). Last evaluated 2024-02-06.

Conditions:
Tyrosinase-positive oculocutaneous albinism (OCA2). Also called: ALBINISM II; Albinism, oculocutaneous, type II; Oculocutaneous albinism type 2. Identifiers: Orphanet 79432, MedGen C0268495, MONDO:0008746, OMIM 203200.

Submissions (2):

Labcorp Genetics (formerly Invitae), Labcorp
Classification: Pathogenic. Last evaluated: 2024-02-06. Review status: criteria provided, single submitter. Criteria: Invitae Variant Classification Sherloc (09022015). Collection method: clinical testing. Allele origin: germline.
Comment: This sequence change creates a premature translational stop signal (p.Ser732*) in the OCA2 gene. It is expected to result in an absent or disrupted protein product. Loss-of-function variants in OCA2 are known to be pathogenic (PMID: 19865097, 21541274). This variant is not present in population databases (gnomAD no frequency). This premature translational stop signal has been observed in individual(s) with oculocutaneous albinism (PMID: 31077556, 31196117). For these reasons, this variant has been classified as Pathogenic.

Juno Genomics, Hangzhou Juno Genomics, Inc
Classification: Pathogenic for Tyrosinase-positive oculocutaneous albinism. Review status: criteria provided, single submitter. Criteria: ACMG Guidelines, 2015. Collection method: clinical testing. Allele origin: germline. Affected: yes.
Comment: Null variant in a gene where loss of function (LOF) is a known mechanism of disease.;Absent from controls (or at extremely low frequency if recessive) in Genome Aggregation Database, Exome Sequencing Project, 1000 Genomes Project, or Exome Aggregation Consortium.;For recessive disorders, detected in trans with a pathogenic variant.;Patient's phenotype or family history is highly specific for a disease with a single genetic etiology.

Literature cited by the submitters: PubMed 19865097 (cited by Labcorp Genetics (formerly Invitae), Labcorp); PubMed 21541274 (cited by Labcorp Genetics (formerly Invitae), Labcorp); PubMed 31077556 (cited by Labcorp Genetics (formerly Invitae), Labcorp); PubMed 31196117 (cited by Labcorp Genetics (formerly Invitae), Labcorp).

NM_000275.3(OCA2):c.2195C>G (p.Ser732Ter)

Gene: OCA2 (OCA2 melanosomal transmembrane protein; minus strand). Cytogenetic location: 15q13.1.
Variant type: single nucleotide variant.
Coding change: c.2195C>G on transcript NM_000275.3 (MANE Select); coding-DNA position 2195, C replaced by G.
Protein change: p.Ser732Ter; replaces serine 732 with a stop codon.
Molecular consequence: nonsense.
Genome position (GRCh38, 1-based): chr15:27,871,203, G>C on the plus strand (C>G on the coding strand, the complement: OCA2 is on the minus strand). VCF-style: chr15-27871203-G-C. GRCh37 (hg19) VCF-style: chr15-28116349-G-C.
Other names: c.2123C>G, p.Ser708Ter (NM_001300984.2); short protein forms S708*, S732*.
Identifiers: ClinVar variation 2907461 (VCV002907461.5), dbSNP rs2036558249, ClinGen allele CA391363417.